The following is an entry in ClinVar:

ClinVar aggregate classification (germline): Uncertain significance. Review status: criteria provided, multiple submitters, no conflicts (2 of 4 stars). 2 submissions from 2 submitters: Uncertain significance (2). Last evaluated 2025-10-17.

Conditions:
Ehlers-Danlos syndrome, classic type, 1 (EDSCL1). Also called: EDS I; EHLERS-DANLOS SYNDROME, GRAVIS TYPE; EHLERS-DANLOS SYNDROME, SEVERE CLASSIC TYPE; Ehlers-Danlos syndrome, type 1; Ehlers-Danlos Syndrome, Classic Type, COL5A1-Related. Identifiers: MedGen C0268335, MONDO:0019567, OMIM 130000.

Allele frequency attached by ClinVar (database versions not stated): TOPMed below 0.00001; gnomAD 0.00001; gnomAD exomes 0.00001.
gnomAD v4.1: 8 of 1,612,706 alleles (0.0005%); highest among the groups gnomAD compares: Non-Finnish European, 0.00068%; no homozygotes.

Submissions (2):

Labcorp Genetics (formerly Invitae), Labcorp
Classification: Uncertain significance for Ehlers-Danlos syndrome, classic type, 1. Last evaluated: 2025-10-17. Review status: criteria provided, single submitter. Criteria: Invitae Variant Classification Sherloc (09022015). Collection method: clinical testing. Allele origin: germline.
Comment: This sequence change replaces proline, which is neutral and non-polar, with leucine, which is neutral and non-polar, at codon 310 of the COL5A2 protein (p.Pro310Leu). This variant is present in population databases (no rsID available, gnomAD 0.007%). This variant has not been reported in the literature in individuals affected with COL5A2-related conditions. ClinVar contains an entry for this variant (Variation ID: 2430608). Invitae Evidence Modeling of protein sequence and biophysical properties (such as structural, functional, and spatial information, amino acid conservation, physicochemical variation, residue mobility, and thermodynamic stability) indicates that this missense variant is not expected to disrupt COL5A2 protein function with a negative predictive value of 80%. In summary, the available evidence is currently insufficient to determine the role of this variant in disease. Therefore, it has been classified as a Variant of Uncertain Significance.

GeneDx
Classification: Uncertain significance. Last evaluated: 2023-02-15. Review status: criteria provided, single submitter. Criteria: GeneDx Variant Classification Process June 2021. Collection method: clinical testing. Allele origin: germline. Affected: yes.
Comment: Not observed at significant frequency in large population cohorts (gnomAD); In silico analysis supports that this missense variant does not alter protein structure/function; p.(P310L) occurs in the triple helical domain at the X position in the canonical Gly-X-Y repeat. This variant may have an effect on normal protein folding and function, though missense substitution at the X position is not a common mechanism of disease.; Has not been previously published as pathogenic or benign to our knowledge

NM_000393.5(COL5A2):c.929C>T (p.Pro310Leu)

Gene: COL5A2 (collagen type V alpha 2 chain; minus strand). Cytogenetic location: 2q32.2.
Variant type: single nucleotide variant.
Coding change: c.929C>T on transcript NM_000393.5 (MANE Select); coding-DNA position 929, C replaced by T.
Protein change: p.Pro310Leu; replaces proline 310 with leucine.
Molecular consequence: missense variant.
Genome position (GRCh38, 1-based): chr2:189,080,009, G>A on the plus strand (C>T on the coding strand, the complement: COL5A2 is on the minus strand). VCF-style: chr2-189080009-G-A. GRCh37 (hg19) VCF-style: chr2-189944735-G-A.
Other names: short protein forms P310L.
Identifiers: ClinVar variation 2430608 (VCV002430608.3), dbSNP rs1422843761, ClinGen allele CA349856609.